The following is an entry in ClinVar:

NC_000023.10:g.(?_32328179)_(32563471_?)del

Gene: DMD (dystrophin; minus strand). Cytogenetic location: Xp21.1.
Variant type: Deletion.
Identifiers: ClinVar variation 3245241 (VCV003245241.1).

ClinVar aggregate classification (germline): Pathogenic (1 of 4 stars; one submission).

Conditions:
Duchenne muscular dystrophy (DMD). Also called: MUSCULAR DYSTROPHY, PSEUDOHYPERTROPHIC PROGRESSIVE, DUCHENNE TYPE; Duchenne Muscular Dystrophy (DMD). Identifiers: Orphanet 98896, MedGen C0013264, MONDO:0010679, OMIM 310200.

Submission:

Labcorp Genetics (formerly Invitae), Labcorp
Classification: Pathogenic for Duchenne muscular dystrophy. Last evaluated: 2023-10-04. Review status: criteria provided, single submitter. Criteria: Invitae Variant Classification Sherloc (09022015). Collection method: clinical testing. Allele origin: unknown.
Comment: This variant is a gross deletion of the genomic region encompassing exon(s) 17-42 of the DMD gene. This variant would be expected to be in-frame, preserving the integrity of the reading frame. This variant has not been reported in the literature in individuals affected with DMD-related conditions. This variant disrupts a region of the DMD protein in which other variant(s) (Deletion (Exon 30)) have been determined to be pathogenic (PMID: 16770791, 17259292, 19084397). This suggests that this is a clinically significant region of the protein, and that variants that disrupt it are likely to be disease-causing. For these reasons, this variant has been classified as Pathogenic.

Literature cited by the submitters: PubMed 16770791; PubMed 17259292; PubMed 19084397.